The following is an entry in ClinVar:

NM_005228.5(EGFR):c.3149T>C (p.Ile1050Thr)

Gene: EGFR (epidermal growth factor receptor; plus strand). Cytogenetic location: 7p11.2.
Variant type: single nucleotide variant.
Coding change: c.3149T>C on transcript NM_005228.5 (MANE Select); coding-DNA position 3149, T replaced by C.
Protein change: p.Ile1050Thr; replaces isoleucine 1050 with threonine.
Molecular consequence: missense variant.
Genome position (GRCh38, 1-based): chr7:55,201,769, T>C. VCF-style: chr7-55201769-T-C. GRCh37 (hg19) VCF-style: chr7-55269462-T-C.
Other names: c.3014T>C, p.Ile1005Thr (NM_001346897.2, NM_001346899.2); c.3149T>C, p.Ile1050Thr (NM_001346898.2); c.2990T>C, p.Ile997Thr (NM_001346900.2); c.2348T>C, p.Ile783Thr (NM_001346941.2); short protein forms I1050T, I783T, I997T, I1005T.
Identifiers: ClinVar variation 842064 (VCV000842064.11), dbSNP rs529174941, ClinGen allele CA4266286.

ClinVar aggregate classification (germline): Conflicting classifications of pathogenicity. Review status: criteria provided, conflicting classifications (1 of 4 stars). 2 submissions from 2 submitters: Uncertain significance (1); Likely benign (1). Last evaluated 2025-12-06.

Conditions:
Hereditary cancer-predisposing syndrome. Also called: Hereditary Cancer Syndrome; Hereditary neoplastic syndrome; Tumor predisposition; Neoplastic Syndromes, Hereditary. Identifiers: Orphanet 140162, MedGen C0027672, MeSH D009386, MONDO:0015356.
EGFR-related lung cancer (EGFR). Identifiers: MedGen CN130014.

Allele frequency attached by ClinVar (database versions not stated): ExAC 0.00002; 1000 Genomes Project 30x 0.00016; 1000 Genomes Project 0.00020.
gnomAD v4.1: 18 of 1,614,220 alleles (0.0011%); highest among the groups gnomAD compares: South Asian, 0.0088%; no homozygotes.

Submissions (2):

Labcorp Genetics (formerly Invitae), Labcorp
Classification: Uncertain significance for EGFR-related lung cancer. Last evaluated: 2025-12-06. Review status: criteria provided, single submitter. Criteria: Invitae Variant Classification Sherloc (09022015). Collection method: clinical testing. Allele origin: germline.
Comment: This sequence change replaces isoleucine, which is neutral and non-polar, with threonine, which is neutral and polar, at codon 1050 of the EGFR protein (p.Ile1050Thr). This variant is present in population databases (rs529174941, gnomAD 0.01%). This variant has not been reported in the literature in individuals affected with EGFR-related conditions. ClinVar contains an entry for this variant (Variation ID: 842064). An algorithm developed to predict the effect of missense changes on protein structure and function (PolyPhen-2) suggests that this variant is likely to be tolerated. In summary, the available evidence is currently insufficient to determine the role of this variant in disease. Therefore, it has been classified as a Variant of Uncertain Significance.

Ambry Genetics
Classification: Likely benign for Hereditary cancer-predisposing syndrome. Last evaluated: 2025-04-02. Review status: criteria provided, single submitter. Criteria: Ambry Variant Classification Scheme 2023. Collection method: clinical testing. Allele origin: germline.